The following is an entry in ClinVar:

ClinVar aggregate classification (germline): Uncertain significance. Review status: criteria provided, multiple submitters, no conflicts (2 of 4 stars). 2 submissions from 2 submitters: Uncertain significance (2). Last evaluated 2024-06-13.

Conditions:
Inborn genetic diseases. Identifiers: MedGen C0950123, MeSH D030342.

Allele frequency attached by ClinVar (database versions not stated): gnomAD exomes 0.00001.
gnomAD v4.1: 12 of 1,613,168 alleles (0.00074%); highest among the groups gnomAD compares: Non-Finnish European, 0.00093%; no homozygotes.

Submissions (2):

Ambry Genetics
Classification: Uncertain significance for Inborn genetic diseases. Last evaluated: 2024-06-13. Review status: criteria provided, single submitter. Criteria: Ambry Variant Classification Scheme 2023. Collection method: clinical testing. Allele origin: germline.

Labcorp Genetics (formerly Invitae), Labcorp
Classification: Uncertain significance. Last evaluated: 2022-11-09. Review status: criteria provided, single submitter. Criteria: Invitae Variant Classification Sherloc (09022015). Collection method: clinical testing. Allele origin: germline.
Comment: This sequence change replaces asparagine, which is neutral and polar, with serine, which is neutral and polar, at codon 394 of the CDH2 protein (p.Asn394Ser). This variant is not present in population databases (gnomAD no frequency). This variant has not been reported in the literature in individuals affected with CDH2-related conditions. Algorithms developed to predict the effect of missense changes on protein structure and function (SIFT, PolyPhen-2, Align-GVGD) all suggest that this variant is likely to be disruptive. In summary, the available evidence is currently insufficient to determine the role of this variant in disease. Therefore, it has been classified as a Variant of Uncertain Significance.

NM_001792.5(CDH2):c.1181A>G (p.Asn394Ser)

Gene: CDH2 (cadherin 2; minus strand). Cytogenetic location: 18q12.1.
Variant type: single nucleotide variant.
Coding change: c.1181A>G on transcript NM_001792.5 (MANE Select); coding-DNA position 1181, A replaced by G.
Protein change: p.Asn394Ser; replaces asparagine 394 with serine.
Molecular consequence: missense variant.
Genome position (GRCh38, 1-based): chr18:27,992,818, T>C on the plus strand (A>G on the coding strand, the complement: CDH2 is on the minus strand). VCF-style: chr18-27992818-T-C. GRCh37 (hg19) VCF-style: chr18-25572782-T-C.
Other names: c.1181A>G (NM_001792.3); c.1088A>G, p.Asn363Ser (NM_001308176.2); short protein forms N363S, N394S.
Identifiers: ClinVar variation 2119919 (VCV002119919.5), dbSNP rs2510799467, ClinGen allele CA402110690.